The following is an entry in ClinVar:

ClinVar aggregate classification (germline): Uncertain significance. Review status: criteria provided, multiple submitters, no conflicts (2 of 4 stars). 2 submissions from 2 submitters: Uncertain significance (2). Last evaluated 2025-02-05.

Conditions:
Hereditary cancer-predisposing syndrome. Also called: Neoplastic Syndromes, Hereditary; Tumor predisposition; Hereditary Cancer Syndrome; Hereditary neoplastic syndrome. Identifiers: Orphanet 140162, MedGen C0027672, MeSH D009386, MONDO:0015356.
Multiple endocrine neoplasia, type 2 (MEN2). Identifiers: Orphanet 653, MedGen C4048306, MONDO:0019003. Disease mechanism: gain of function.

Allele frequency attached by ClinVar (database versions not stated): gnomAD exomes below 0.00001.
gnomAD v4.1: 1 of 1,587,686 alleles (0.000063%); highest among the groups gnomAD compares: Non-Finnish European, 0.000086%; no homozygotes.

Submissions (2):

Ambry Genetics
Classification: Uncertain significance for Hereditary cancer-predisposing syndrome. Last evaluated: 2025-02-05. Review status: criteria provided, single submitter. Criteria: Ambry Variant Classification Scheme 2023. Collection method: clinical testing. Allele origin: germline.
Comment: The p.E527V variant (also known as c.1580A>T), located in coding exon 8 of the RET gene, results from an A to T substitution at nucleotide position 1580. The glutamic acid at codon 527 is replaced by valine, an amino acid with dissimilar properties. This amino acid position is well conserved in available vertebrate species. In addition, the in silico prediction for this alteration is inconclusive. Since supporting evidence is limited at this time, the clinical significance of this alteration remains unclear.

Labcorp Genetics (formerly Invitae), Labcorp
Classification: Uncertain significance for Multiple endocrine neoplasia, type 2. Last evaluated: 2022-01-17. Review status: criteria provided, single submitter. Criteria: Invitae Variant Classification Sherloc (09022015). Collection method: clinical testing. Allele origin: germline.
Comment: This sequence change replaces glutamic acid, which is acidic and polar, with valine, which is neutral and non-polar, at codon 527 of the RET protein (p.Glu527Val). This variant is not present in population databases (gnomAD no frequency). This variant has not been reported in the literature in individuals affected with RET-related conditions. Algorithms developed to predict the effect of missense changes on protein structure and function (SIFT, PolyPhen-2, Align-GVGD) all suggest that this variant is likely to be disruptive. Algorithms developed to predict the effect of sequence changes on RNA splicing suggest that this variant may create or strengthen a splice site. In summary, the available evidence is currently insufficient to determine the role of this variant in disease. Therefore, it has been classified as a Variant of Uncertain Significance.

NM_020975.6(RET):c.1580A>T (p.Glu527Val)

Gene: RET (ret proto-oncogene; plus strand). Cytogenetic location: 10q11.21.
Variant type: single nucleotide variant.
Coding change: c.1580A>T on transcript NM_020975.6 (MANE Select); coding-DNA position 1580, A replaced by T.
Protein change: p.Glu527Val; replaces glutamic acid 527 with valine.
Molecular consequence: missense variant.
Genome position (GRCh38, 1-based): chr10:43,112,156, A>T. VCF-style: chr10-43112156-A-T. GRCh37 (hg19) VCF-style: chr10-43607604-A-T.
Other names: c.1580A>T, p.Glu527Val (NM_000323.2, NM_001406743.1, NM_001406744.1 and 6 more transcripts); c.818A>T, p.Glu273Val (NM_001355216.2); c.1451A>T, p.Glu484Val (NM_001406761.1, NM_001406762.1, NM_001406764.1 and 1 more transcripts); c.1292A>T, p.Glu431Val (NM_001406766.1, NM_001406767.1, NM_001406770.1); c.1184A>T, p.Glu395Val (NM_001406769.1, NM_001406772.1); c.1142A>T, p.Glu381Val (NM_001406771.1, NM_001406773.1); c.1055A>T, p.Glu352Val (NM_001406774.1); c.854A>T, p.Glu285Val (NM_001406775.1, NM_001406776.1, NM_001406777.1 and 1 more transcripts); and 5 more; short protein forms E285V, E352V, E431V, E132V, E185V, E197V, E395V, E484V.
Identifiers: ClinVar variation 1775688 (VCV001775688.8), dbSNP rs1588872141, ClinGen allele CA376550486.